The following is an entry in ClinVar:

NM_018389.5(SLC35C1):c.718A>G (p.Ile240Val)

Gene: SLC35C1 (solute carrier family 35 member C1; plus strand). Cytogenetic location: 11p11.2.
Variant type: single nucleotide variant.
Coding change: c.718A>G on transcript NM_018389.5 (MANE Select); coding-DNA position 718, A replaced by G.
Protein change: p.Ile240Val; replaces isoleucine 240 with valine.
Molecular consequence: missense variant.
Genome position (GRCh38, 1-based): chr11:45,810,958, A>G. VCF-style: chr11-45810958-A-G. GRCh37 (hg19) VCF-style: chr11-45832509-A-G.
Other names: c.679A>G, p.Ile227Val (NM_001145265.2, NM_001145266.2); short protein forms I240V, I227V.
Identifiers: ClinVar variation 95905 (VCV000095905.22), dbSNP rs7130656, ClinGen allele CA149021.

ClinVar aggregate classification (germline): Benign/Likely benign. Review status: criteria provided, multiple submitters, no conflicts (2 of 4 stars). 8 submissions from 8 submitters: Benign (7); Likely benign (1). Last evaluated 2026-02-03.

Conditions:
Leukocyte adhesion deficiency type II. Also called: Congenital disorder of glycosylation type 2C; CDG 2C; Leukocyte adhesion deficiency type 2; Rambam Hasharon syndrome; CONGENITAL DISORDER OF GLYCOSYLATION, TYPE IIc; CDG IIc. Identifiers: Orphanet 2968, Orphanet 99843, MedGen C0398739, MONDO:0009953, OMIM 266265.

Allele frequency attached by ClinVar (database versions not stated): TOPMed 0.12988; 1000 Genomes Project 0.10284; ExAC 0.09415; 1000 Genomes Project 30x 0.10603; gnomAD 0.12992; ESP Exome Variant Server 0.14342.
gnomAD v4.1: 173,159 of 1,612,700 alleles (11%); highest among the groups gnomAD compares: African/African-American, 20%; 10,560 homozygotes.

Submissions (8):

Labcorp Genetics (formerly Invitae), Labcorp
Classification: Benign for Leukocyte adhesion deficiency type II. Last evaluated: 2026-02-03. Review status: criteria provided, single submitter. Criteria: Invitae Variant Classification Sherloc (09022015). Collection method: clinical testing. Allele origin: germline.

Women's Health and Genetics/Laboratory Corporation of America, LabCorp
Classification: Likely benign. Last evaluated: 2026-01-21. Review status: criteria provided, single submitter. Criteria: LabCorp Variant Classification Summary - May 2015. Collection method: clinical testing. Allele origin: germline.

Mayo Clinic Laboratories, Mayo Clinic
Classification: Benign. Last evaluated: 2022-09-06. Review status: criteria provided, single submitter. Criteria: ACMG Guidelines, 2015. Collection method: clinical testing. Allele origin: germline. Observed: 14 variant alleles.

Illumina Laboratory Services, Illumina
Classification: Benign for Leukocyte adhesion deficiency type II. Last evaluated: 2018-01-12. Review status: criteria provided, single submitter. Criteria: ICSL Variant Classification Criteria 13 December 2019. Collection method: clinical testing. Allele origin: germline.
Comment: This variant was observed in the ICSL laboratory as part of a predisposition screen in an ostensibly healthy population. It had not been previously curated by ICSL or reported in the Human Gene Mutation Database (HGMD: prior to June 1st, 2018), and was therefore a candidate for classification through an automated scoring system. Utilizing variant allele frequency, disease prevalence and penetrance estimates, and inheritance mode, an automated score was calculated to assess if this variant is too frequent to cause the disease. Based on the score and internal cut-off values, a variant classified as benign is not then subjected to further curation. The score for this variant resulted in a classification of benign for this disease.

Laboratory for Molecular Medicine, Mass General Brigham Personalized Medicine
Classification: Benign. Last evaluated: 2016-03-28. Review status: criteria provided, single submitter. Criteria: LMM Criteria. Collection method: clinical testing. Allele origin: germline.
Comment: Variant identified in a genome or exome case(s) and assessed due to predicted null impact of the variant or pathogenic assertions in the literature or databases. Disclaimer: This variant has not undergone full assessment. The following are preliminary notes: Frequency

GeneDx
Classification: Benign. Last evaluated: 2016-01-20. Review status: criteria provided, single submitter. Criteria: GeneDx Variant Classification (06012015). Collection method: clinical testing. Allele origin: germline. Affected: yes.
Comment: This variant is considered likely benign or benign based on one or more of the following criteria: it is a conservative change, it occurs at a poorly conserved position in the protein, it is predicted to be benign by multiple in silico algorithms, and/or has population frequency not consistent with disease.

Eurofins Ntd Llc (ga)
Classification: Benign. Last evaluated: 2012-10-04. Review status: criteria provided, single submitter. Criteria: EGL Classification Definitions 2015. Collection method: clinical testing. Allele origin: germline. Observed: 7 variant alleles, 6 heterozygotes, 1 homozygote.

Breakthrough Genomics
Classification: Benign. Review status: criteria provided, single submitter. Criteria: ACMG Guidelines, 2015. Collection method: not provided. Allele origin: germline. Inheritance: Autosomal recessive inheritance. Affected: yes.